The following is an entry in ClinVar:

NM_201384.3(PLEC):c.12781G>A (p.Ala4261Thr)

Gene: PLEC (plectin; minus strand). Cytogenetic location: 8q24.3.
Variant type: single nucleotide variant.
Coding change: c.12781G>A on transcript NM_201384.3 (MANE Select); coding-DNA position 12781, G replaced by A.
Protein change: p.Ala4261Thr; replaces alanine 4261 with threonine.
Molecular consequence: missense variant.
Genome position (GRCh38, 1-based): chr8:143,917,040, C>T on the plus strand (G>A on the coding strand, the complement: PLEC is on the minus strand). VCF-style: chr8-143917040-C-T. GRCh37 (hg19) VCF-style: chr8-144991208-C-T.
Other names: c.12862G>A, p.Ala4288Thr (NM_000445.5); c.12739G>A, p.Ala4247Thr (NM_201378.4); c.12715G>A, p.Ala4239Thr (NM_201379.3); c.13192G>A, p.Ala4398Thr (NM_201380.4); c.12685G>A, p.Ala4229Thr (NM_201381.3); c.12781G>A, p.Ala4261Thr (NM_201382.4); c.12793G>A, p.Ala4265Thr (NM_201383.3); short protein forms A4239T, A4247T, A4261T, A4398T, A4229T, A4265T, A4288T.
Identifiers: ClinVar variation 471534 (VCV000471534.61), dbSNP rs200924154, ClinGen allele CA4923981.
Genomic context (GRCh38, chr8:143,917,040, plus strand): 5'-CCACGGGGCCCGTCTCCTCAGTGGGGTCTGACCAGGAGGCCAGCTGGGTCCTGGAGACGG[C>T]GGGGCTGATGGGGTAGGAGGAGGAGGATCCCACCGAGGAGGAACGGGAGCGGAAACCACC-3'
Protein context (NP_958786.1, residues 4251-4271): GSSSSYPISP[Ala4261Thr]VSRTQLASWS

ClinVar aggregate classification (germline): Conflicting classifications of pathogenicity. Review status: criteria provided, conflicting classifications (1 of 4 stars). 5 submissions from 5 submitters: Uncertain significance (2); Likely benign (2). 1 of the submissions does not count toward it. Last evaluated 2026-01-12.

Conditions:
Epidermolysis bullosa simplex, Ogna type (EBS5A). Also called: Pidermolysis bullosa simplex 5A, Ogna type; EPIDERMOLYSIS BULLOSA SIMPLEX 5A, OGNA TYPE. Identifiers: Orphanet 79401, MedGen C0432317, MONDO:0007555, OMIM 131950.
Autosomal recessive limb-girdle muscular dystrophy type 2Q (LGMDR17). Also called: MUSCULAR DYSTROPHY, LIMB-GIRDLE, AUTOSOMAL RECESSIVE 17. Identifiers: Orphanet 254361, MedGen C3150989, MONDO:0013390, OMIM 613723.
Epidermolysis bullosa simplex 5B, with muscular dystrophy (EBS5B). Also called: Epidermolysis bullosa simplex with muscular dystrophy; EPIDERMOLYSIS BULLOSA SIMPLEX AND LIMB-GIRDLE MUSCULAR DYSTROPHY. Identifiers: Orphanet 257, MedGen C2931072, MONDO:0009181, OMIM 226670.
Epidermolysis bullosa simplex with nail dystrophy (EBS5D). Identifiers: MedGen C4225309, MONDO:0014661, OMIM 616487.
Epidermolysis bullosa simplex 5C, with pyloric atresia (EBS5C). Also called: PLEC-Related Epidermolysis Bullosa with Pyloric Atresia; Epidermolysis bullosa simplex with pyloric atresia; PLEC1-Related Epidermolysis Bullosa with Pyloric Atresia. Identifiers: Orphanet 158684, MedGen C2677349, MONDO:0012807, OMIM 612138.
PLEC-related disorder. Also called: PLEC-related condition; PLEC-related disorders.

Allele frequency attached by ClinVar (database versions not stated): 1000 Genomes Project 30x 0.00016; 1000 Genomes Project 0.00020; gnomAD 0.00026 and 0.00029; TOPMed 0.00031; ExAC 0.00042; gnomAD exomes 0.00043 and 0.00014.
gnomAD v4.1: 270 of 1,610,452 alleles (0.017%); highest among the groups gnomAD compares: East Asian, 0.23%; 1 homozygote.

Submissions (5):

Labcorp Genetics (formerly Invitae), Labcorp
Classification: Likely benign for Autosomal recessive limb-girdle muscular dystrophy type 2Q; Epidermolysis bullosa simplex, Ogna type; Epidermolysis bullosa simplex with nail dystrophy; Epidermolysis bullosa simplex 5C, with pyloric atresia; Epidermolysis bullosa simplex 5B, with muscular dystrophy. Last evaluated: 2026-01-12. Review status: criteria provided, single submitter. Criteria: Invitae Variant Classification Sherloc (09022015). Collection method: clinical testing. Allele origin: germline.

GeneDx
Classification: Likely benign. Last evaluated: 2019-07-03. Review status: criteria provided, single submitter. Criteria: GeneDx Variant Classification Process June 2021. Collection method: clinical testing. Allele origin: germline. Affected: yes.

Eurofins Ntd Llc (ga)
Classification: Uncertain significance. Last evaluated: 2017-05-04. Review status: criteria provided, single submitter. Criteria: EGL Classification Definitions 2015. Collection method: clinical testing. Allele origin: germline. Observed: 3 variant alleles, 3 heterozygotes.

CeGaT Center for Human Genetics Tuebingen
Classification: Uncertain significance. Last evaluated: 2017-04-01. Review status: criteria provided, single submitter. Criteria: CeGaT Center For Human Genetics Tuebingen Variant Classification Criteria Version 2. Collection method: clinical testing. Allele origin: germline. Affected: yes. Observed: 1 variant allele.

PreventionGenetics, part of Exact Sciences
Classification: Likely benign for PLEC-related condition. Last evaluated: 2023-07-22. Review status: no assertion criteria provided. Collection method: clinical testing. Allele origin: germline. Not counted in ClinVar's aggregate classification.
Comment: This variant is classified as likely benign based on ACMG/AMP sequence variant interpretation guidelines (Richards et al. 2015 PMID: 25741868, with internal and published modifications).